The following is an entry in ClinVar:

ClinVar aggregate classification (germline): Conflicting classifications of pathogenicity. Review status: criteria provided, conflicting classifications (1 of 4 stars). 4 submissions from 4 submitters: Uncertain significance (3); Likely benign (1). Last evaluated 2025-07-01.

Conditions:
Myofibrillar myopathy 5. Also called: Filaminopathy (type); FILAMINOPATHY, AUTOSOMAL DOMINANT. Identifiers: Orphanet 171445, MedGen C1836050, MONDO:0012289, OMIM 609524.
Distal myopathy with posterior leg and anterior hand involvement. Also called: WILLIAMS DISTAL MYOPATHY. Identifiers: Orphanet 63273, MedGen C3279722, MONDO:0013550, OMIM 614065.
Hypertrophic cardiomyopathy 26. Also called: Cardiomyopathy, familial hypertrophic, 26. Identifiers: Orphanet 75249, MedGen C4310749, MONDO:0014883, OMIM 617047.
Cardiovascular phenotype. Identifiers: MedGen CN230736.

Allele frequency attached by ClinVar (database versions not stated): TOPMed 0.00001; ExAC 0.00003.
gnomAD v4.1: 56 of 1,613,950 alleles (0.0035%); highest among the groups gnomAD compares: South Asian, 0.0077%; no homozygotes.

Submissions (4):

CeGaT Center for Human Genetics Tuebingen
Classification: Uncertain significance. Last evaluated: 2025-07-01. Review status: criteria provided, single submitter. Criteria: CeGaT Center For Human Genetics Tuebingen Variant Classification Criteria Version 2. Collection method: clinical testing. Allele origin: germline. Affected: yes. Observed: 2 variant alleles.

GeneDx
Classification: Uncertain significance. Last evaluated: 2025-04-22. Review status: criteria provided, single submitter. Criteria: GeneDx Variant Classification Process June 2021. Collection method: clinical testing. Allele origin: germline. Affected: yes.
Comment: Has not been previously published as pathogenic or benign to our knowledge; Not observed at significant frequency in large population cohorts (gnomAD); In silico analysis supports that this missense variant has a deleterious effect on protein structure/function

Labcorp Genetics (formerly Invitae), Labcorp
Classification: Likely benign for Distal myopathy with posterior leg and anterior hand involvement; Myofibrillar myopathy 5; Hypertrophic cardiomyopathy 26. Last evaluated: 2024-09-21. Review status: criteria provided, single submitter. Criteria: Invitae Variant Classification Sherloc (09022015). Collection method: clinical testing. Allele origin: germline.

Ambry Genetics
Classification: Uncertain significance for Cardiovascular phenotype. Last evaluated: 2022-10-07. Review status: criteria provided, single submitter. Criteria: Ambry Variant Classification Scheme 2023. Collection method: clinical testing. Allele origin: germline.
Comment: The p.R1931L variant (also known as c.5792G>T), located in coding exon 35 of the FLNC gene, results from a G to T substitution at nucleotide position 5792. The arginine at codon 1931 is replaced by leucine, an amino acid with dissimilar properties. This amino acid position is not well conserved in available vertebrate species. In addition, the in silico prediction for this alteration is inconclusive. Since supporting evidence is limited at this time, the clinical significance of this alteration remains unclear.

NM_001458.5(FLNC):c.5792G>T (p.Arg1931Leu)

Genes: FLNC (filamin C; plus strand), FLNC-AS1 (FLNC antisense RNA 1; minus strand). Cytogenetic location: 7q32.1.
Variant type: single nucleotide variant.
Coding change: c.5792G>T on transcript NM_001458.5 (MANE Select); coding-DNA position 5792, G replaced by T.
Protein change: p.Arg1931Leu; replaces arginine 1931 with leucine.
Molecular consequence: missense variant.
Genome position (GRCh38, 1-based): chr7:128,851,578, G>T. VCF-style: chr7-128851578-G-T. GRCh37 (hg19) VCF-style: chr7-128491632-G-T.
Other names: c.5693G>T, p.Arg1898Leu (NM_001127487.2); short protein forms R1931L, R1898L.
Identifiers: ClinVar variation 539425 (VCV000539425.36), dbSNP rs780685346, ClinGen allele CA4475786.